The following is an entry in ClinVar:

NM_001001888.4(VCX3B):c.624C>T (p.Ser208=)

Gene: VCX3B (variable charge X-linked 3B; plus strand). Cytogenetic location: Xp22.31.
Variant type: single nucleotide variant.
Coding change: c.624C>T on transcript NM_001001888.4 (MANE Select); coding-DNA position 624, C replaced by T.
Protein change: p.Ser208=; no amino-acid change (serine 208 retained).
Molecular consequence: synonymous variant.
Genome position (GRCh38, 1-based): chrX:8,466,266, C>T. VCF-style: chrX-8466266-C-T. GRCh37 (hg19) VCF-style: chrX-8434307-C-T.
Identifiers: ClinVar variation 2659940 (VCV002659940.24), dbSNP rs377669206, ClinGen allele CA10343372.

ClinVar aggregate classification (germline): Likely benign (1 of 4 stars; one submission).

Allele frequency attached by ClinVar (database versions not stated): ExAC 0.00002; gnomAD 0.00010; ESP Exome Variant Server 0.00048.

Submission:

CeGaT Center for Human Genetics Tuebingen
Classification: Likely benign. Last evaluated: 2025-07-01. Review status: criteria provided, single submitter. Criteria: CeGaT Center For Human Genetics Tuebingen Variant Classification Criteria Version 2. Collection method: clinical testing. Allele origin: germline. Affected: yes. Observed: 2 variant alleles.
Comment: VCX3B: BP4, BP7